The following is an entry in ClinVar:

NM_001482.3(GATM):c.905T>C (p.Met302Thr)

Gene: GATM (glycine amidinotransferase; minus strand). Cytogenetic location: 15q21.1.
Variant type: single nucleotide variant.
Coding change: c.905T>C on transcript NM_001482.3 (MANE Select); coding-DNA position 905, T replaced by C.
Protein change: p.Met302Thr; replaces methionine 302 with threonine.
Molecular consequence: missense variant.
Genome position (GRCh38, 1-based): chr15:45,366,119, A>G on the plus strand (T>C on the coding strand, the complement: GATM is on the minus strand). VCF-style: chr15-45366119-A-G. GRCh37 (hg19) VCF-style: chr15-45658317-A-G.
Other names: c.518T>C, p.Met173Thr (NM_001321015.2); short protein forms M173T, M302T.
Identifiers: ClinVar variation 2836096 (VCV002836096.3), dbSNP rs1889444334, ClinGen allele CA392257762.
Genomic context (GRCh38, chr15:45,366,119, plus strand): 5'-CGGTCAGGGTTGGAAAGCACAATACCAGGTCCAATGATGTTGAAGGTAGCATCAATATGC[A>G]TGGGATTGGGATCTTTAAAGGAGATGATATGCACTCTGTAGTCTGGAGCAAGATGCCTAC-3'
Protein context (NP_001473.1, residues 292-312): HIISFKDPNP[Met302Thr]HIDATFNIIG

ClinVar aggregate classification (germline): Uncertain significance (1 of 4 stars; one submission).

Conditions:
Arginine:glycine amidinotransferase deficiency (CCDS3). Also called: L-Arginine:Glycine Amidinotransferase (AGAT) Deficiency; AGAT deficiency; L-Arginine:Glycine Amidinotransferase Deficiency; Creatine deficiency syndrome due to AGAT deficiency; GATM deficiency; Cerebral creatine deficiency syndrome 3. Identifiers: Orphanet 35704, MedGen C2675179, MONDO:0012996, OMIM 612718.

Submission:

Labcorp Genetics (formerly Invitae), Labcorp
Classification: Uncertain significance for Arginine:glycine amidinotransferase deficiency. Last evaluated: 2023-02-10. Review status: criteria provided, single submitter. Criteria: Invitae Variant Classification Sherloc (09022015). Collection method: clinical testing. Allele origin: germline.
Comment: Advanced modeling of protein sequence and biophysical properties (such as structural, functional, and spatial information, amino acid conservation, physicochemical variation, residue mobility, and thermodynamic stability) performed at Invitae indicates that this missense variant is not expected to disrupt GATM protein function. In summary, the available evidence is currently insufficient to determine the role of this variant in disease. Therefore, it has been classified as a Variant of Uncertain Significance. This variant has not been reported in the literature in individuals affected with GATM-related conditions. This sequence change replaces methionine, which is neutral and non-polar, with threonine, which is neutral and polar, at codon 302 of the GATM protein (p.Met302Thr). This variant is not present in population databases (gnomAD no frequency).